The following is an entry in ClinVar:

NM_000138.5(FBN1):c.5224+4A>T

Gene: FBN1 (fibrillin 1; minus strand). Cytogenetic location: 15q21.1.
Variant type: single nucleotide variant.
Coding change: c.5224+4A>T on transcript NM_000138.5 (MANE Select); 4 bases into the intron after coding-DNA position 5224, A replaced by T.
Molecular consequence: intron variant.
Genome position (GRCh38, 1-based): chr15:48,463,078, T>A on the plus strand (A>T on the coding strand, the complement: FBN1 is on the minus strand). VCF-style: chr15-48463078-T-A. GRCh37 (hg19) VCF-style: chr15-48755275-T-A.
Other names: c.5224+4A>T (NM_001406716.1).
Identifiers: ClinVar variation 5021568 (VCV005021568.1).

ClinVar aggregate classification (germline): Uncertain significance (1 of 4 stars; one submission).

Conditions:
Familial thoracic aortic aneurysm and aortic dissection (TAAD). Also called: Thoracic aortic aneurysms and dissections. Identifiers: Orphanet 91387, MedGen C4707243, MONDO:0019625.

Submission:

Ambry Genetics
Classification: Uncertain significance for Familial thoracic aortic aneurysm and aortic dissection. Last evaluated: 2026-06-22. Review status: criteria provided, single submitter. Criteria: Ambry Variant Classification Scheme 2023. Collection method: clinical testing. Allele origin: germline.
Comment: The c.5224+4A>T intronic variant results from an A to T substitution 4 nucleotides after coding exon 41 in the FBN1 gene. This nucleotide position is not well conserved in available vertebrate species. In silico splice site analysis predicts that this alteration will not have any significant effect on splicing. Based on the available evidence, the clinical significance of this variant remains unclear.